The following is an entry in ClinVar:

ClinVar aggregate classification (germline): Uncertain significance (1 of 4 stars; one submission).

Allele frequency attached by ClinVar (database versions not stated): gnomAD exomes 0.00001.
gnomAD v4.1: 10 of 1,614,036 alleles (0.00062%); highest among the groups gnomAD compares: South Asian, 0.0066%; 1 homozygote.

Submission:

Labcorp Genetics (formerly Invitae), Labcorp
Classification: Uncertain significance. Last evaluated: 2022-04-10. Review status: criteria provided, single submitter. Criteria: Invitae Variant Classification Sherloc (09022015). Collection method: clinical testing. Allele origin: germline.
Comment: This sequence change replaces threonine, which is neutral and polar, with isoleucine, which is neutral and non-polar, at codon 29 of the RCBTB1 protein (p.Thr29Ile). This variant is not present in population databases (gnomAD no frequency). This variant has not been reported in the literature in individuals affected with RCBTB1-related conditions. Algorithms developed to predict the effect of missense changes on protein structure and function (SIFT, PolyPhen-2, Align-GVGD) all suggest that this variant is likely to be tolerated. In summary, the available evidence is currently insufficient to determine the role of this variant in disease. Therefore, it has been classified as a Variant of Uncertain Significance.

NM_018191.4(RCBTB1):c.86C>T (p.Thr29Ile)

Gene: RCBTB1 (RCC1 and BTB domain containing protein 1; minus strand). Cytogenetic location: 13q14.2.
Variant type: single nucleotide variant.
Coding change: c.86C>T on transcript NM_018191.4 (MANE Select); coding-DNA position 86, C replaced by T.
Protein change: p.Thr29Ile; replaces threonine 29 with isoleucine.
Molecular consequence: missense variant. On other transcripts: 5 prime UTR variant (1), non-coding transcript variant (2).
Genome position (GRCh38, 1-based): chr13:49,567,194, G>A on the plus strand (C>T on the coding strand, the complement: RCBTB1 is on the minus strand). VCF-style: chr13-49567194-G-A. GRCh37 (hg19) VCF-style: chr13-50141330-G-A.
Other names: c.86C>T, p.Thr29Ile (NM_001352500.2, NM_001352501.2, NM_001352502.2 and 3 more transcripts); c.-524C>T (NM_001352506.2); short protein forms T29I.
Identifiers: ClinVar variation 1906678 (VCV001906678.5), dbSNP rs202123523, ClinGen allele CA249378629.